The following is an entry in ClinVar:

NM_003128.3(SPTBN1):c.4354A>G (p.Ser1452Gly)

Gene: SPTBN1 (spectrin beta, non-erythrocytic 1; plus strand). Cytogenetic location: 2p16.2.
Variant type: single nucleotide variant.
Coding change: c.4354A>G on transcript NM_003128.3 (MANE Select); coding-DNA position 4354, A replaced by G.
Protein change: p.Ser1452Gly; replaces serine 1452 with glycine.
Molecular consequence: missense variant.
Genome position (GRCh38, 1-based): chr2:54,645,313, A>G. VCF-style: chr2-54645313-A-G. GRCh37 (hg19) VCF-style: chr2-54872450-A-G.
Other names: c.4315A>G, p.Ser1439Gly (NM_178313.3); short protein forms S1439G, S1452G.
Identifiers: ClinVar variation 3374868 (VCV003374868.1).

ClinVar aggregate classification (germline): Uncertain significance (1 of 4 stars; one submission).

gnomAD v4.1: 4 of 1,614,112 alleles (0.00025%); highest among the groups gnomAD compares: African/African-American, 0.0053%; no homozygotes.

Submission:

Women's Health and Genetics/Laboratory Corporation of America, LabCorp
Classification: Uncertain significance. Last evaluated: 2024-09-11. Review status: criteria provided, single submitter. Criteria: LabCorp Variant Classification Summary - May 2015. Collection method: clinical testing. Allele origin: germline.
Comment: Variant summary: SPTBN1 c.4354A>G (p.Ser1452Gly) results in a non-conservative amino acid change in the encoded protein sequence. Three of five in-silico tools predict a benign effect of the variant on protein function. The variant allele was found at a frequency of 4e-06 in 251396 control chromosomes. The available data on variant occurrences in the general population are insufficient to allow any conclusion about variant significance. To our knowledge, no occurrence of c.4354A>G in individuals affected with Developmental Delay, Impaired Speech, And Behavioral Abnormalities and no experimental evidence demonstrating its impact on protein function have been reported. No submitters have cited clinical-significance assessments for this variant to ClinVar. Based on the evidence outlined above, the variant was classified as uncertain significance.